The following is an entry in ClinVar:

NM_019066.5(MAGEL2):c.3507C>G (p.Tyr1169Ter)

Gene: MAGEL2 (MAGE family member L2; minus strand). Cytogenetic location: 15q11.2.
Variant type: single nucleotide variant.
Coding change: c.3507C>G on transcript NM_019066.5 (MANE Select); coding-DNA position 3507, C replaced by G.
Protein change: p.Tyr1169Ter; replaces tyrosine 1169 with a stop codon.
Molecular consequence: nonsense.
Genome position (GRCh38, 1-based): chr15:23,644,236, G>C on the plus strand (C>G on the coding strand, the complement: MAGEL2 is on the minus strand). VCF-style: chr15-23644236-G-C. GRCh37 (hg19) VCF-style: chr15-23889383-G-C.
Other names: short protein forms Y1169*.
Identifiers: ClinVar variation 2632472 (VCV002632472.1), dbSNP rs2503973967, ClinGen allele CA391322761.

ClinVar aggregate classification (germline): Uncertain significance (1 of 4 stars; one submission).

Conditions:
MAGEL2-related disorder. Also called: MAGEL2-related condition.

Submission:

PreventionGenetics, part of Exact Sciences
Classification: Uncertain significance for MAGEL2-related condition. Last evaluated: 2023-06-23. Review status: criteria provided, single submitter. Criteria: ACMG Guidelines, 2015. Collection method: clinical testing. Allele origin: germline.
Comment: The MAGEL2 c.3507C>G variant is predicted to result in premature protein termination (p.Tyr1169*). To our knowledge, this variant has not been reported in the literature or in a large population database, indicating this variant is rare. While nonsense variants are an established mechanism of disease in MAGEL2, this particular variant is located downstream of the majority of reported cases and therefore the molecular consequences of this variant are unknown. Although we suspect that this variant may be pathogenic, at this time, the clinical significance of this variant is uncertain due to the absence of conclusive functional and genetic evidence.